The following is an entry in ClinVar:

NM_001458.5(FLNC):c.4279C>T (p.Pro1427Ser)

Gene: FLNC (filamin C; plus strand). Cytogenetic location: 7q32.1.
Variant type: single nucleotide variant.
Coding change: c.4279C>T on transcript NM_001458.5 (MANE Select); coding-DNA position 4279, C replaced by T.
Protein change: p.Pro1427Ser; replaces proline 1427 with serine.
Molecular consequence: missense variant.
Genome position (GRCh38, 1-based): chr7:128,846,896, C>T. VCF-style: chr7-128846896-C-T. GRCh37 (hg19) VCF-style: chr7-128486950-C-T.
Other names: c.4279C>T, p.Pro1427Ser (NM_001127487.2); short protein forms P1427S.
Identifiers: ClinVar variation 2952431 (VCV002952431.3), dbSNP rs2536643867, ClinGen allele CA369200964.

ClinVar aggregate classification (germline): Uncertain significance (1 of 4 stars; one submission).

Conditions:
Hypertrophic cardiomyopathy 26. Also called: Cardiomyopathy, familial hypertrophic, 26. Identifiers: Orphanet 75249, MedGen C4310749, MONDO:0014883, OMIM 617047.
Myofibrillar myopathy 5. Also called: Filaminopathy (type); FILAMINOPATHY, AUTOSOMAL DOMINANT. Identifiers: Orphanet 171445, MedGen C1836050, MONDO:0012289, OMIM 609524.
Distal myopathy with posterior leg and anterior hand involvement. Also called: WILLIAMS DISTAL MYOPATHY. Identifiers: Orphanet 63273, MedGen C3279722, MONDO:0013550, OMIM 614065.

Submission:

Labcorp Genetics (formerly Invitae), Labcorp
Classification: Uncertain significance for Distal myopathy with posterior leg and anterior hand involvement; Myofibrillar myopathy 5; Hypertrophic cardiomyopathy 26. Last evaluated: 2025-10-10. Review status: criteria provided, single submitter. Criteria: Invitae Variant Classification Sherloc (09022015). Collection method: clinical testing. Allele origin: germline.
Comment: This sequence change replaces proline, which is neutral and non-polar, with serine, which is neutral and polar, at codon 1427 of the FLNC protein (p.Pro1427Ser). This variant is not present in population databases (gnomAD no frequency). This variant has not been reported in the literature in individuals affected with FLNC-related conditions. ClinVar contains an entry for this variant (Variation ID: 2952431). Invitae Evidence Modeling of protein sequence and biophysical properties (such as structural, functional, and spatial information, amino acid conservation, physicochemical variation, residue mobility, and thermodynamic stability) has been performed for this missense variant. However, the output from this modeling did not meet the statistical confidence thresholds required to predict the impact of this variant on FLNC protein function. In summary, the available evidence is currently insufficient to determine the role of this variant in disease. Therefore, it has been classified as a Variant of Uncertain Significance.